The following is an entry in ClinVar:

NM_000426.4(LAMA2):c.3623_3645del (p.Lys1208fs)

Gene: LAMA2 (laminin subunit alpha 2; plus strand). Cytogenetic location: 6q22.33.
Variant type: Deletion.
Coding change: c.3623_3645del on transcript NM_000426.4 (MANE Select); coding-DNA positions 3623 to 3645, 23 bases deleted (AGGGCATTGTTTTTCAACATCCA).
Protein change: p.Lys1208fs; shifts the reading frame from lysine 1208.
Molecular consequence: frameshift variant.
Genome position (GRCh38, 1-based): chr6:129,315,543-129,315,565, AGGGCATTGTTTTTCAACATCCA deleted; deleting any 23 consecutive bases within chr6:129,315,540-129,315,565 gives the same sequence; the c. name uses the placement nearest the transcript's 3' end. VCF-style (leftmost placement, unchanged base first): chr6-129315539-ACCAAGGGCATTGTTTTTCAACAT-A. GRCh37 (hg19) VCF-style: chr6-129636684-ACCAAGGGCATTGTTTTTCAACAT-A.
Other names: c.3623_3645del, p.Lys1208fs (NM_001079823.2); c.3623_3645delAGGGCATTGTTTTTCAACATCCA (NM_000426.3); c.3623_3645del23 (NM_000426.3); short protein forms K1208fs.
Identifiers: ClinVar variation 167242 (VCV000167242.20), dbSNP rs727503992, ClinGen allele CA234201.

ClinVar aggregate classification (germline): Pathogenic/Likely pathogenic. Review status: criteria provided, multiple submitters, no conflicts (2 of 4 stars). 6 submissions from 6 submitters: Pathogenic (2); Likely pathogenic (3). 1 of the submissions does not count toward it. Last evaluated 2025-12-23.

Conditions:
Muscular dystrophy, limb-girdle, autosomal recessive 23. Identifiers: Orphanet 565837, MedGen C4748327, MONDO:0029136, OMIM 618138.
Merosin deficient congenital muscular dystrophy (MDC1A). Also called: Congenital merosin-deficient muscular dystrophy 1A; Congenital Muscular Dystrophy Type 1A (MDC1A). Identifiers: Orphanet 258, MedGen C1263858, MONDO:0011925, OMIM 607855.
LAMA2-related muscular dystrophy (LAMA2-RD). Also called: Laminin alpha 2-related dystrophy. Identifiers: MedGen C5679788, MONDO:0100228.

Submissions (6):

Labcorp Genetics (formerly Invitae), Labcorp
Classification: Pathogenic for LAMA2-related muscular dystrophy. Last evaluated: 2025-12-23. Review status: criteria provided, single submitter. Criteria: Invitae Variant Classification Sherloc (09022015). Collection method: clinical testing. Allele origin: germline.
Comment: This sequence change creates a premature translational stop signal (p.Lys1208Argfs*27) in the LAMA2 gene. It is expected to result in an absent or disrupted protein product. Loss-of-function variants in LAMA2 are known to be pathogenic (PMID: 18700894, 32904964). This variant is present in population databases (rs763713872, gnomAD 0.0009%). This variant has not been reported in the literature in individuals affected with LAMA2-related conditions. ClinVar contains an entry for this variant (Variation ID: 167242). For these reasons, this variant has been classified as Pathogenic.

GeneDx
Classification: Likely pathogenic. Last evaluated: 2025-02-12. Review status: criteria provided, single submitter. Criteria: GeneDx Variant Classification Process June 2021. Collection method: clinical testing. Allele origin: germline. Affected: yes.
Comment: Reported previously with a second variant (phase unknown) in an individual with congenital hydrocephalus; reported using alternate nomenclature p.T1207fs (PMID: 33077954); Frameshift variant predicted to result in protein truncation or nonsense mediated decay in a gene for which loss-of-function is a known mechanism of disease; Not observed at significant frequency in large population cohorts (gnomAD); This variant is associated with the following publications: (PMID: 9674786, 30055037, 33077954)

Fulgent Genetics
Classification: Likely pathogenic for Merosin deficient congenital muscular dystrophy; Muscular dystrophy, limb-girdle, autosomal recessive 23. Last evaluated: 2024-05-27. Review status: criteria provided, single submitter. Criteria: ACMG Guidelines, 2015. Collection method: clinical testing. Allele origin: germline.

Baylor Genetics
Classification: Likely pathogenic for Merosin deficient congenital muscular dystrophy. Last evaluated: 2023-10-12. Review status: criteria provided, single submitter. Criteria: ACMG Guidelines, 2015. Collection method: clinical testing. Allele origin: unknown.

Eurofins Ntd Llc (ga)
Classification: Pathogenic. Last evaluated: 2013-01-21. Review status: criteria provided, single submitter. Criteria: EGL Classification Definitions. Collection method: clinical testing. Allele origin: germline. Observed: 1 variant allele, 1 heterozygote.

Counsyl
Classification: Likely pathogenic for Merosin deficient congenital muscular dystrophy. Last evaluated: 2017-08-02. Review status: no assertion criteria provided. Collection method: clinical testing. Allele origin: unknown. Not counted in ClinVar's aggregate classification.

Literature cited by the submitters: PubMed 18700894 (cited by Labcorp Genetics (formerly Invitae), Labcorp); PubMed 32904964 (cited by Labcorp Genetics (formerly Invitae), Labcorp); PubMed 9674786 (cited by Counsyl).